The following is an entry in ClinVar:

NM_004946.3(DOCK2):c.239T>G (p.Ile80Ser)

Gene: DOCK2 (dedicator of cytokinesis 2; plus strand). Cytogenetic location: 5q35.1.
Variant type: single nucleotide variant.
Coding change: c.239T>G on transcript NM_004946.3 (MANE Select); coding-DNA position 239, T replaced by G.
Protein change: p.Ile80Ser; replaces isoleucine 80 with serine.
Molecular consequence: missense variant. On other transcripts: non-coding transcript variant (1).
Genome position (GRCh38, 1-based): chr5:169,671,092, T>G. VCF-style: chr5-169671092-T-G. GRCh37 (hg19) VCF-style: chr5-169098096-T-G.
Other names: short protein forms I80S.
Identifiers: ClinVar variation 955171 (VCV000955171.1), dbSNP rs1759028698, ClinGen allele CA362102279.

ClinVar aggregate classification (germline): Uncertain significance (1 of 4 stars; one submission).

Conditions:
DOCK2 deficiency. Also called: Immunodeficiency 40. Identifiers: Orphanet 447737, MedGen C4225328, MONDO:0014637, OMIM 616433.

Allele frequency attached by ClinVar (database versions not stated): gnomAD exomes below 0.00001.
gnomAD v4.1: 1 of 1,614,024 alleles (0.000062%); highest among the groups gnomAD compares: South Asian, 0.0011%; no homozygotes.

Submission:

Labcorp Genetics (formerly Invitae), Labcorp
Classification: Uncertain significance for Immunodeficiency 40. Last evaluated: 2019-11-09. Review status: criteria provided, single submitter. Criteria: Invitae Variant Classification Sherloc (09022015). Collection method: clinical testing. Allele origin: germline.
Comment: This sequence change replaces isoleucine with serine at codon 80 of the DOCK2 protein (p.Ile80Ser). The isoleucine residue is weakly conserved and there is a large physicochemical difference between isoleucine and serine. This variant is not present in population databases (ExAC no frequency). This variant has not been reported in the literature in individuals with DOCK2-related conditions. Algorithms developed to predict the effect of missense changes on protein structure and function are either unavailable or do not agree on the potential impact of this missense change (SIFT: "Deleterious"; PolyPhen-2: "Benign"; Align-GVGD: "Class C0"). In summary, the available evidence is currently insufficient to determine the role of this variant in disease. Therefore, it has been classified as a Variant of Uncertain Significance.